The following is an entry in ClinVar:

ClinVar aggregate classification (germline): Pathogenic (1 of 4 stars; one submission).

Conditions:
Townes-Brocks syndrome 1 (TBS1). Also called: DEAFNESS, SENSORINEURAL, WITH IMPERFORATE ANUS AND THUMB ANOMALIES; REAR SYNDROME; RENAL-EAR-ANAL-RADIAL SYNDROME; SALL1-Related Townes-Brocks Syndrome. Identifiers: Orphanet 857, MedGen C4551481, MONDO:0054581, OMIM 107480.

Submission:

Women's Health and Genetics/Laboratory Corporation of America, LabCorp
Classification: Pathogenic for Townes-Brocks syndrome 1. Last evaluated: 2025-10-30. Review status: criteria provided, single submitter. Criteria: LabCorp Variant Classification Summary - May 2015. Collection method: clinical testing. Allele origin: germline.
Comment: Variant summary: SALL1 c.1506delA (p.Lys502AsnfsX7) results in a premature termination codon, predicted to cause a truncation of the encoded protein or absence of the protein due to nonsense mediated decay, which are commonly known mechanisms for disease. The variant was absent in 251492 control chromosomes. To our knowledge, no occurrence of c.1506delA in individuals affected with SALL1-related conditions and no experimental evidence demonstrating its impact on protein function have been reported. No submitters have cited clinical-significance assessments for this variant to ClinVar. Based on the evidence outlined above, the variant was classified as pathogenic.

NM_002968.3(SALL1):c.1506del (p.Lys502fs)

Gene: SALL1 (spalt like transcription factor 1; minus strand). Cytogenetic location: 16q12.1.
Variant type: Deletion.
Coding change: c.1506del on transcript NM_002968.3 (MANE Select); coding-DNA position 1506, one base deleted (A; older notation c.1506delA).
Protein change: p.Lys502fs; shifts the reading frame from lysine 502.
Molecular consequence: frameshift variant.
Genome position (GRCh38, 1-based): chr16:51,140,716, T deleted on the plus strand (A on the coding strand, the reverse complement: SALL1 is on the minus strand); the first of 3 consecutive T bases (chr16:51,140,716-51,140,718); deleting any one gives the same sequence. VCF-style (leftmost placement, unchanged base first): chr16-51140715-AT-A. GRCh37 (hg19) VCF-style: chr16-51174626-AT-A.
Other names: c.1215del, p.Lys405fs (NM_001127892.2); c.1506delA (NM_002968.3); short protein forms K405fs, K502fs.
Identifiers: ClinVar variation 4687354 (VCV004687354.1).